The following is an entry in ClinVar:

NM_001256007.3(PNPLA8):c.324G>A (p.Leu108=)

Gene: PNPLA8 (patatin like domain 8, phospholipase A2; minus strand). Cytogenetic location: 7q31.1.
Variant type: single nucleotide variant.
Coding change: c.324G>A on transcript NM_001256007.3 (MANE Select); coding-DNA position 324, G replaced by A.
Protein change: p.Leu108=; no amino-acid change (leucine 108 retained).
Molecular consequence: synonymous variant.
Genome position (GRCh38, 1-based): chr7:108,515,168, C>T on the plus strand (G>A on the coding strand, the complement: PNPLA8 is on the minus strand). VCF-style: chr7-108515168-C-T. GRCh37 (hg19) VCF-style: chr7-108155612-C-T.
Other names: p.Leu108=; c.324G>A, p.Leu108= (NM_001256008.3, NM_001256009.3, NM_015723.5); c.24G>A, p.Leu8= (NM_001256010.3, NM_001256011.3).
Identifiers: ClinVar variation 781913 (VCV000781913.42), dbSNP rs141707516, ClinGen allele CA4439844.

ClinVar aggregate classification (germline): Benign. Review status: criteria provided, multiple submitters, no conflicts (2 of 4 stars). 4 submissions from 4 submitters: Benign (4). Last evaluated 2026-07-01.

Allele frequency attached by ClinVar (database versions not stated): gnomAD 0.00156 and 0.00163; gnomAD exomes 0.00172 and 0.00281; TOPMed 0.00186; ESP Exome Variant Server 0.00215; ExAC 0.00242.
gnomAD v4.1: 2,914 of 1,607,662 alleles (0.18%); highest among the groups gnomAD compares: Middle Eastern, 0.36%; 39 homozygotes.

Submissions (4):

CeGaT Center for Human Genetics Tuebingen
Classification: Benign. Last evaluated: 2026-07-01. Review status: criteria provided, single submitter. Criteria: CeGaT Center For Human Genetics Tuebingen Variant Classification Criteria Version 2. Collection method: clinical testing. Allele origin: germline. Affected: yes. Observed: 4 variant alleles.
Comment: PNPLA8: BP4, BS1, BS2

Labcorp Genetics (formerly Invitae), Labcorp
Classification: Benign. Last evaluated: 2026-01-26. Review status: criteria provided, single submitter. Criteria: Invitae Variant Classification Sherloc (09022015). Collection method: clinical testing. Allele origin: germline.

Mayo Clinic Laboratories, Mayo Clinic
Classification: Benign. Last evaluated: 2025-07-29. Review status: criteria provided, single submitter. Criteria: ACMG Guidelines, 2015. Collection method: clinical testing. Allele origin: germline. Observed: 2 variant alleles.
Comment: BA1, BS2, BP4, BP7

Breakthrough Genomics
Classification: Benign. Review status: criteria provided, single submitter. Criteria: ACMG Guidelines, 2015. Collection method: not provided. Allele origin: germline. Inheritance: Autosomal recessive inheritance. Affected: yes.